The following is an entry in ClinVar:

NM_001145809.2(MYH14):c.535G>A (p.Glu179Lys)

Gene: MYH14 (myosin heavy chain 14; plus strand). Cytogenetic location: 19q13.33.
Variant type: single nucleotide variant.
Coding change: c.535G>A on transcript NM_001145809.2 (MANE Select); coding-DNA position 535, G replaced by A.
Protein change: p.Glu179Lys; replaces glutamic acid 179 with lysine.
Molecular consequence: missense variant.
Genome position (GRCh38, 1-based): chr19:50,217,744, G>A. VCF-style: chr19-50217744-G-A. GRCh37 (hg19) VCF-style: chr19-50721001-G-A.
Other names: c.535G>A, p.Glu179Lys (NM_001077186.2, NM_024729.4); short protein forms E179K.
Identifiers: ClinVar variation 329906 (VCV000329906.10), dbSNP rs886054588, ClinGen allele CA10652189.

ClinVar aggregate classification (germline): Uncertain significance. Review status: criteria provided, multiple submitters, no conflicts (2 of 4 stars). 4 submissions from 4 submitters: Uncertain significance (4). Last evaluated 2024-10-21.

Conditions:
Autosomal dominant nonsyndromic hearing loss 4A. Also called: Deafness, autosomal dominant 4A. Identifiers: Orphanet 90635, MedGen C1833503, MONDO:0010915, OMIM 600652.

Allele frequency attached by ClinVar (database versions not stated): gnomAD exomes below 0.00001 and 0.00001; gnomAD 0.00001; TOPMed 0.00002.
gnomAD v4.1: 13 of 1,613,742 alleles (0.00081%); highest among the groups gnomAD compares: African/African-American, 0.0027%; 1 homozygote.

Submissions (4):

GeneDx
Classification: Uncertain significance. Last evaluated: 2024-10-21. Review status: criteria provided, single submitter. Criteria: GeneDx Variant Classification Process June 2021. Collection method: clinical testing. Allele origin: germline. Affected: yes.
Comment: Not observed at significant frequency in large population cohorts (gnomAD); In silico analysis supports that this missense variant has a deleterious effect on protein structure/function; Has not been previously published as pathogenic or benign to our knowledge

Labcorp Genetics (formerly Invitae), Labcorp
Classification: Uncertain significance. Last evaluated: 2023-01-15. Review status: criteria provided, single submitter. Criteria: Invitae Variant Classification Sherloc (09022015). Collection method: clinical testing. Allele origin: germline.
Comment: Advanced modeling of protein sequence and biophysical properties (such as structural, functional, and spatial information, amino acid conservation, physicochemical variation, residue mobility, and thermodynamic stability) performed at Invitae indicates that this missense variant is expected to disrupt MYH14 protein function. ClinVar contains an entry for this variant (Variation ID: 329906). This variant has not been reported in the literature in individuals affected with MYH14-related conditions. This variant is present in population databases (no rsID available, gnomAD 0.0009%). This sequence change replaces glutamic acid, which is acidic and polar, with lysine, which is basic and polar, at codon 179 of the MYH14 protein (p.Glu179Lys). In summary, the available evidence is currently insufficient to determine the role of this variant in disease. Therefore, it has been classified as a Variant of Uncertain Significance.

Blueprint Genetics
Classification: Uncertain significance. Last evaluated: 2021-05-18. Review status: criteria provided, single submitter. Criteria: ACMG Guidelines, 2015. Collection method: clinical testing. Allele origin: germline.

Illumina Laboratory Services, Illumina
Classification: Uncertain significance for Autosomal dominant nonsyndromic hearing loss 4A. Last evaluated: 2018-01-13. Review status: criteria provided, single submitter. Criteria: ICSL Variant Classification Criteria 13 December 2019. Collection method: clinical testing. Allele origin: germline.